The following is an entry in ClinVar:

ClinVar aggregate classification (germline): Uncertain significance (1 of 4 stars; one submission).

Submission:

Labcorp Genetics (formerly Invitae), Labcorp
Classification: Uncertain significance. Last evaluated: 2025-04-09. Review status: criteria provided, single submitter. Criteria: Invitae Variant Classification Sherloc (09022015). Collection method: clinical testing. Allele origin: germline.
Comment: This sequence change replaces phenylalanine, which is neutral and non-polar, with leucine, which is neutral and non-polar, at codon 717 of the CLCN4 protein (p.Phe717Leu). This variant is not present in population databases (gnomAD no frequency). This variant has not been reported in the literature in individuals affected with CLCN4-related conditions. Invitae Evidence Modeling of protein sequence and biophysical properties (such as structural, functional, and spatial information, amino acid conservation, physicochemical variation, residue mobility, and thermodynamic stability) indicates that this missense variant is expected to disrupt CLCN4 protein function with a positive predictive value of 95%. In summary, the available evidence is currently insufficient to determine the role of this variant in disease. Therefore, it has been classified as a Variant of Uncertain Significance.

NM_001830.4(CLCN4):c.2151C>G (p.Phe717Leu)

Gene: CLCN4 (chloride voltage-gated channel 4; plus strand). Cytogenetic location: Xp22.2.
Variant type: single nucleotide variant.
Coding change: c.2151C>G on transcript NM_001830.4 (MANE Select); coding-DNA position 2151, C replaced by G.
Protein change: p.Phe717Leu; replaces phenylalanine 717 with leucine.
Molecular consequence: missense variant.
Genome position (GRCh38, 1-based): chrX:10,220,836, C>G. VCF-style: chrX-10220836-C-G. GRCh37 (hg19) VCF-style: chrX-10188876-C-G.
Other names: c.1869C>G, p.Phe623Leu (NM_001256944.2); short protein forms F717L, F623L.
Identifiers: ClinVar variation 4722796 (VCV004722796.1).